The following is an entry in ClinVar:

ClinVar aggregate classification (germline): Uncertain significance (1 of 4 stars; one submission).

gnomAD v4.1: 1 of 1,613,112 alleles (0.000062%); highest among the groups gnomAD compares: Non-Finnish European, 0.000085%; no homozygotes.

Submission:

GeneDx
Classification: Uncertain significance. Last evaluated: 2024-05-13. Review status: criteria provided, single submitter. Criteria: GeneDx Variant Classification Process June 2021. Collection method: clinical testing. Allele origin: germline. Affected: yes.
Comment: Not observed at significant frequency in large population cohorts (gnomAD); Missense variant in a gene in which most reported pathogenic variants are truncating/loss of function; Has not been previously published as pathogenic or benign to our knowledge

NM_001267550.2(TTN):c.63915A>C (p.Lys21305Asn)

Genes: TTN (titin; minus strand), TTN-AS1 (TTN antisense RNA 1; plus strand). Cytogenetic location: 2q31.2.
Variant type: single nucleotide variant.
Coding change: c.63915A>C on transcript NM_001267550.2 (MANE Select); coding-DNA position 63915, A replaced by C.
Protein change: p.Lys21305Asn; replaces lysine 21305 with asparagine.
Molecular consequence: missense variant.
Genome position (GRCh38, 1-based): chr2:178,587,296, T>G on the plus strand (A>C on the coding strand, the complement: TTN is on the minus strand). VCF-style: chr2-178587296-T-G. GRCh37 (hg19) VCF-style: chr2-179452023-T-G.
Other names: c.58992A>C, p.Lys19664Asn (NM_001256850.1); c.36720A>C, p.Lys12240Asn (NM_003319.4); c.56211A>C, p.Lys18737Asn (NM_133378.4); c.37095A>C, p.Lys12365Asn (NM_133432.3); c.37296A>C, p.Lys12432Asn (NM_133437.4); short protein forms K12240N, K12365N, K12432N, K18737N, K19664N, K21305N.
Identifiers: ClinVar variation 3378190 (VCV003378190.1).